The following is an entry in ClinVar:

NM_000038.6(APC):c.1061C>A (p.Pro354His)

Gene: APC (APC regulator of Wnt signaling pathway; plus strand). Cytogenetic location: 5q22.2.
Variant type: single nucleotide variant.
Coding change: c.1061C>A on transcript NM_000038.6 (MANE Select); coding-DNA position 1061, C replaced by A.
Protein change: p.Pro354His; replaces proline 354 with histidine.
Molecular consequence: missense variant. On other transcripts: intron variant (4).
Genome position (GRCh38, 1-based): chr5:112,819,093, C>A. VCF-style: chr5-112819093-C-A. GRCh37 (hg19) VCF-style: chr5-112154790-C-A.
Other names: c.1061C>A, p.Pro354His (NM_001127510.3, NM_001354895.2, NM_001354896.2); c.1007C>A, p.Pro336His (NM_001127511.3); c.1091C>A, p.Pro364His (NM_001354897.2); c.986C>A, p.Pro329His (NM_001354898.2); c.977C>A, p.Pro326His (NM_001354899.2); c.884C>A, p.Pro295His (NM_001354900.2, NM_001354901.2); c.212C>A, p.Pro71His (NM_001354906.2); c.964-176C>A (NM_001354902.2); and 3 more; short protein forms P336H, P354H, P364H, P71H, P295H, P326H, P329H.
Identifiers: ClinVar variation 469696 (VCV000469696.12), dbSNP rs1060503337, ClinGen allele CA16023634.

ClinVar aggregate classification (germline): Uncertain significance (1 of 4 stars; one submission).

Conditions:
Familial adenomatous polyposis 1 (FAP1). Also called: POLYPOSIS, ADENOMATOUS INTESTINAL; FAMILIAL ADENOMATOUS POLYPOSIS 1, ATTENUATED. Identifiers: MedGen C2713442, MONDO:0021056, OMIM 175100. Disease mechanism: loss of function.

Submission:

Labcorp Genetics (formerly Invitae), Labcorp
Classification: Uncertain significance for Familial adenomatous polyposis 1. Last evaluated: 2024-10-02. Review status: criteria provided, single submitter. Criteria: Invitae Variant Classification Sherloc (09022015). Collection method: clinical testing. Allele origin: germline.
Comment: This sequence change replaces proline, which is neutral and non-polar, with histidine, which is basic and polar, at codon 354 of the APC protein (p.Pro354His). This variant is not present in population databases (gnomAD no frequency). This variant has not been reported in the literature in individuals affected with APC-related conditions. ClinVar contains an entry for this variant (Variation ID: 469696). Invitae Evidence Modeling of protein sequence and biophysical properties (such as structural, functional, and spatial information, amino acid conservation, physicochemical variation, residue mobility, and thermodynamic stability) indicates that this missense variant is not expected to disrupt APC protein function with a negative predictive value of 95%. In summary, the available evidence is currently insufficient to determine the role of this variant in disease. Therefore, it has been classified as a Variant of Uncertain Significance.